The following is an entry in ClinVar:

NM_014874.4(MFN2):c.312-138C>G

Gene: MFN2 (mitofusin 2; plus strand). Cytogenetic location: 1p36.22.
Variant type: single nucleotide variant.
Coding change: c.312-138C>G on transcript NM_014874.4 (MANE Select); 138 bases into the intron before coding-DNA position 312, C replaced by G.
Molecular consequence: intron variant.
Genome position (GRCh38, 1-based): chr1:11,996,018, C>G. VCF-style: chr1-11996018-C-G. GRCh37 (hg19) VCF-style: chr1-12056075-C-G.
Other names: c.312-138C>G (NM_001127660.2).
Identifiers: ClinVar variation 675560 (VCV000675560.2), dbSNP rs79244021, ClinGen allele CA10937160.

ClinVar aggregate classification (germline): Benign. Review status: criteria provided, multiple submitters, no conflicts (2 of 4 stars). 2 submissions from 2 submitters: Benign (2). Last evaluated 2018-06-16.

Allele frequency attached by ClinVar (database versions not stated): gnomAD exomes 0.00282; gnomAD 0.02663 and 0.02852; 1000 Genomes Project 0.02796; 1000 Genomes Project 30x 0.02920; TOPMed 0.02962.
gnomAD v4.1: 6,779 of 1,062,790 alleles (0.64%); highest among the groups gnomAD compares: African/African-American, 9.1%; 290 homozygotes.

Submissions (2):

GeneDx
Classification: Benign. Last evaluated: 2018-06-16. Review status: criteria provided, single submitter. Criteria: GeneDx Variant Classification (06012015). Collection method: clinical testing. Allele origin: germline. Affected: yes.
Comment: This variant is considered likely benign or benign based on one or more of the following criteria: it is a conservative change, it occurs at a poorly conserved position in the protein, it is predicted to be benign by multiple in silico algorithms, and/or has population frequency not consistent with disease.

Breakthrough Genomics
Classification: Benign. Review status: criteria provided, single submitter. Criteria: ACMG Guidelines, 2015. Collection method: not provided. Allele origin: germline. Inheritance: Autosomal recessive inheritance. Affected: yes.